The following is an entry in ClinVar:

NM_007294.4(BRCA1):c.4163A>G (p.Gln1388Arg)

Gene: BRCA1 (BRCA1 DNA repair associated; minus strand). Cytogenetic location: 17q21.31.
Variant type: single nucleotide variant.
Coding change: c.4163A>G on transcript NM_007294.4 (MANE Select); coding-DNA position 4163, A replaced by G.
Protein change: p.Gln1388Arg; replaces glutamine 1388 with arginine.
Molecular consequence: missense variant. On other transcripts: non-coding transcript variant (1).
Genome position (GRCh38, 1-based): chr17:43,090,966, T>C on the plus strand (A>G on the coding strand, the complement: BRCA1 is on the minus strand). VCF-style: chr17-43090966-T-C. GRCh37 (hg19) VCF-style: chr17-41242983-T-C.
Other names: c.473A>G, p.Gln158Arg (NM_001408510.1); c.470A>G, p.Gln157Arg (NM_001408511.1); c.350A>G, p.Gln117Arg (NM_001408512.1); c.644A>G, p.Gln215Arg (NM_001408513.1, NM_001408514.1, NM_001408478.1 and 9 more transcripts); c.4022A>G, p.Gln1341Arg (NM_007297.4, NM_001407695.1, NM_001407696.1 and 29 more transcripts); c.854A>G, p.Gln285Arg (NM_007298.4, NM_007299.4, NM_007304.2 and 18 more transcripts); c.4163A>G, p.Gln1388Arg (NM_007300.4, NM_001407581.1, NM_001407582.1 and 30 more transcripts); c.3950A>G, p.Gln1317Arg (NM_001407571.1, NM_001407894.1, NM_001407915.1 and 9 more transcripts); and 41 more; short protein forms Q1341R, Q1388R, Q285R, Q117R, Q1277R, Q1317R, Q1320R, Q1340R.
Identifiers: ClinVar variation 1020675 (VCV001020675.14), dbSNP rs1246721860, ClinGen allele CA10593398.

ClinVar aggregate classification (germline): Uncertain significance. Review status: criteria provided, multiple submitters, no conflicts (2 of 4 stars). 3 submissions from 3 submitters: Uncertain significance (2). 1 of the submissions does not count toward it. Last evaluated 2025-10-02.

Conditions:
Breast-ovarian cancer, familial, susceptibility to, 1 (BROVCA1). Also called: BRCA1 Hereditary Breast and Ovarian Cancer; OVARIAN CANCER, SUSCEPTIBILITY TO. Identifiers: Orphanet 145, MedGen C2676676, MONDO:0011450, OMIM 604370. Disease mechanism: loss of function.
Hereditary cancer-predisposing syndrome. Also called: Tumor predisposition; Hereditary Cancer Syndrome; Hereditary neoplastic syndrome; Neoplastic Syndromes, Hereditary. Identifiers: Orphanet 140162, MedGen C0027672, MeSH D009386, MONDO:0015356.
Hereditary breast ovarian cancer syndrome. Also called: Hereditary breast and ovarian cancer syndrome; Hereditary breast and ovarian cancer syndrome (HBOC); Breast and ovarian cancer; Hereditary breast and ovarian cancer; Hereditary breast and/or ovarian cancer syndrome; BRCA1- and BRCA2-Associated Hereditary Breast and Ovarian Cancer. Identifiers: Orphanet 145, MedGen C0677776, MeSH D061325, MONDO:0003582. Disease mechanism: loss of function.

Allele frequency attached by ClinVar (database versions not stated): gnomAD exomes 0.00001.
gnomAD v4.1: 7 of 1,612,084 alleles (0.00043%); highest among the groups gnomAD compares: Non-Finnish European, 0.00059%; no homozygotes.

Submissions (3):

Ambry Genetics
Classification: Uncertain significance for Hereditary cancer-predisposing syndrome. Last evaluated: 2025-10-02. Review status: criteria provided, single submitter. Criteria: Ambry Variant Classification Scheme 2023. Collection method: clinical testing. Allele origin: germline.

Labcorp Genetics (formerly Invitae), Labcorp
Classification: Uncertain significance for Hereditary breast ovarian cancer syndrome. Last evaluated: 2022-03-14. Review status: criteria provided, single submitter. Criteria: Invitae Variant Classification Sherloc (09022015). Collection method: clinical testing. Allele origin: germline.
Comment: In summary, the available evidence is currently insufficient to determine the role of this variant in disease. Therefore, it has been classified as a Variant of Uncertain Significance. Advanced modeling of protein sequence and biophysical properties (such as structural, functional, and spatial information, amino acid conservation, physicochemical variation, residue mobility, and thermodynamic stability) performed at Invitae indicates that this missense variant is not expected to disrupt BRCA1 protein function. ClinVar contains an entry for this variant (Variation ID: 1020675). This variant has not been reported in the literature in individuals affected with BRCA1-related conditions. This variant is not present in population databases (gnomAD no frequency). This sequence change replaces glutamine, which is neutral and polar, with arginine, which is basic and polar, at codon 1388 of the BRCA1 protein (p.Gln1388Arg).

BRCAlab, Lund University
Classification: Uncertain significance for Breast-ovarian cancer, familial, susceptibility to, 1. Last evaluated: 2020-03-02. Review status: no assertion criteria provided. Collection method: clinical testing. Allele origin: germline. Affected: yes. Not counted in ClinVar's aggregate classification.